The following is an entry in ClinVar:

ClinVar aggregate classification (germline): Uncertain significance. Review status: criteria provided, multiple submitters, no conflicts (2 of 4 stars). 3 submissions from 3 submitters: Uncertain significance (2). 1 of the submissions does not count toward it. Last evaluated 2025-02-28.

Conditions:
Inborn genetic diseases. Identifiers: MedGen C0950123, MeSH D030342.
Fanconi anemia (FA). Also called: Fanconi's anemia. Identifiers: Orphanet 84, MedGen C0015625, MeSH D005199, MONDO:0019391.
Fanconi anemia complementation group A (FANCA). Also called: FANCA-Related Fanconi Anemia; Fanconi anemia, group A. Identifiers: Orphanet 84, MedGen C3469521, MONDO:0009215, OMIM 227650.

gnomAD v4.1: 3 of 1,614,124 alleles (0.00019%); highest among the groups gnomAD compares: African/African-American, 0.0013%; no homozygotes.

Submissions (3):

Ambry Genetics
Classification: Uncertain significance for Inborn genetic diseases. Last evaluated: 2025-02-28. Review status: criteria provided, single submitter. Criteria: Ambry Variant Classification Scheme 2023. Collection method: clinical testing. Allele origin: germline.
Comment: The p.S1093N variant (also known as c.3278G>A), located in coding exon 33 of the FANCA gene, results from a G to A substitution at nucleotide position 3278. The serine at codon 1093 is replaced by asparagine, an amino acid with highly similar properties. This amino acid position is conserved. In addition, this alteration is predicted to be tolerated by in silico analysis. Based on the available evidence, the clinical significance of this variant remains unclear.

Fulgent Genetics
Classification: Uncertain significance for Fanconi anemia complementation group A. Last evaluated: 2023-12-27. Review status: criteria provided, single submitter. Criteria: ACMG Guidelines, 2015. Collection method: clinical testing. Allele origin: germline.

Natera, Inc.
Classification: Uncertain significance for Fanconi anemia. Last evaluated: 2025-03-28. Review status: no assertion criteria provided. Collection method: clinical testing. Allele origin: germline. Not counted in ClinVar's aggregate classification.

NM_000135.4(FANCA):c.3278G>A (p.Ser1093Asn)

Gene: FANCA (FA complementation group A; minus strand). Cytogenetic location: 16q24.3.
Variant type: single nucleotide variant.
Coding change: c.3278G>A on transcript NM_000135.4 (MANE Select); coding-DNA position 3278, G replaced by A.
Protein change: p.Ser1093Asn; replaces serine 1093 with asparagine.
Molecular consequence: missense variant.
Genome position (GRCh38, 1-based): chr16:89,748,729, C>T on the plus strand (G>A on the coding strand, the complement: FANCA is on the minus strand). VCF-style: chr16-89748729-C-T. GRCh37 (hg19) VCF-style: chr16-89815137-C-T.
Other names: c.3278G>A, p.Ser1093Asn (NM_001286167.3); c.3278G>A (NM_000135.3); short protein forms S1093N.
Identifiers: ClinVar variation 3581465 (VCV003581465.3).